The following is an entry in ClinVar:

NM_031935.3(HMCN1):c.2996C>T (p.Thr999Ile)

Gene: HMCN1 (hemicentin 1; plus strand). Cytogenetic location: 1q31.1.
Variant type: single nucleotide variant.
Coding change: c.2996C>T on transcript NM_031935.3 (MANE Select); coding-DNA position 2996, C replaced by T.
Protein change: p.Thr999Ile; replaces threonine 999 with isoleucine.
Molecular consequence: missense variant.
Genome position (GRCh38, 1-based): chr1:185,987,492, C>T. VCF-style: chr1-185987492-C-T. GRCh37 (hg19) VCF-style: chr1-185956624-C-T.
Other names: short protein forms T999I.
Identifiers: ClinVar variation 4773887 (VCV004773887.1).
Genomic context (GRCh38, chr1:185,987,492, plus strand): 5'-TTCTGCCAACCATTCAGCATGGGCAGCAGATACTCAGTACAATTGAAGGCATTCCAGTAA[C>T]TTTACCATGCAAAGCAAGTGGAAATCCCAAACCGTCTGTCATCTGGTCCAAGGTAAATGA-3'
Protein context (NP_114141.2, residues 989-1009): ILSTIEGIPV[Thr999Ile]LPCKASGNPK

ClinVar aggregate classification (germline): Uncertain significance (1 of 4 stars; one submission).

gnomAD v4.1: 1 of 1,613,980 alleles (0.000062%); highest among the groups gnomAD compares: Admixed American, 0.0017%; no homozygotes.

Submission:

Labcorp Genetics (formerly Invitae), Labcorp
Classification: Uncertain significance. Last evaluated: 2025-03-26. Review status: criteria provided, single submitter. Criteria: Invitae Variant Classification Sherloc (09022015). Collection method: clinical testing. Allele origin: germline.
Comment: This sequence change replaces threonine, which is neutral and polar, with isoleucine, which is neutral and non-polar, at codon 999 of the HMCN1 protein (p.Thr999Ile). This variant is present in population databases (rs780299066, gnomAD 0.003%). This variant has not been reported in the literature in individuals affected with HMCN1-related conditions. An algorithm developed to predict the effect of missense changes on protein structure and function (PolyPhen-2) suggests that this variant is likely to be disruptive. In summary, the available evidence is currently insufficient to determine the role of this variant in disease. Therefore, it has been classified as a Variant of Uncertain Significance.